The following is an entry in ClinVar:

NM_177972.3(TUB):c.1064C>T (p.Ser355Phe)

Genes: RIC3 (RIC3 acetylcholine receptor chaperone; minus strand), TUB (TUB bipartite transcription factor; plus strand). Cytogenetic location: 11p15.4.
Variant type: single nucleotide variant.
Coding change: c.1064C>T on transcript NM_177972.3 (MANE Select); coding-DNA position 1064, C replaced by T.
Protein change: p.Ser355Phe; replaces serine 355 with phenylalanine.
Molecular consequence: missense variant.
Genome position (GRCh38, 1-based): chr11:8,098,823, C>T. VCF-style: chr11-8098823-C-T. GRCh37 (hg19) VCF-style: chr11-8120370-C-T.
Other names: c.1229C>T, p.Ser410Phe (NM_003320.5); c.1229C>T (NM_003320.4); short protein forms S410F, S355F.
Identifiers: ClinVar variation 1471804 (VCV001471804.4), dbSNP rs759110779, ClinGen allele CA5871324.

ClinVar aggregate classification (germline): Uncertain significance. Review status: criteria provided, multiple submitters, no conflicts (2 of 4 stars). 2 submissions from 2 submitters: Uncertain significance (2). Last evaluated 2026-09-16.

Conditions:
TUB-related disorder. Also called: TUB-related condition.

Allele frequency attached by ClinVar (database versions not stated): gnomAD exomes below 0.00001; ExAC 0.00001; gnomAD 0.00001; TOPMed 0.00001.
gnomAD v4.1: 2 of 1,614,088 alleles (0.00012%); highest among the groups gnomAD compares: Admixed American, 0.0017%; no homozygotes.

Submissions (2):

PreventionGenetics, part of Exact Sciences
Classification: Uncertain significance for TUB-related condition. Last evaluated: 2026-09-16. Review status: criteria provided, single submitter. Criteria: ACMG Guidelines, 2015. Collection method: clinical testing. Allele origin: germline.
Comment: The TUB c.1229C>T variant is predicted to result in the amino acid substitution p.Ser410Phe. To our knowledge, this variant has not been reported in the literature. This variant is reported in 0.0062% of alleles in individuals of African descent in gnomAD. At this time, the clinical significance of this variant is uncertain due to the absence of conclusive functional and genetic evidence.

Labcorp Genetics (formerly Invitae), Labcorp
Classification: Uncertain significance. Last evaluated: 2022-06-27. Review status: criteria provided, single submitter. Criteria: Invitae Variant Classification Sherloc (09022015). Collection method: clinical testing. Allele origin: germline.
Comment: This sequence change replaces serine, which is neutral and polar, with phenylalanine, which is neutral and non-polar, at codon 410 of the TUB protein (p.Ser410Phe). This variant is present in population databases (rs759110779, gnomAD 0.007%). This variant has not been reported in the literature in individuals affected with TUB-related conditions. Algorithms developed to predict the effect of missense changes on protein structure and function are either unavailable or do not agree on the potential impact of this missense change (SIFT: "Deleterious"; PolyPhen-2: "Benign"; Align-GVGD: "Class C15"). In summary, the available evidence is currently insufficient to determine the role of this variant in disease. Therefore, it has been classified as a Variant of Uncertain Significance.